The following is an entry in ClinVar:

NM_138694.4(PKHD1):c.9829+1G>A

Gene: PKHD1 (PKHD1 ciliary IPT domain containing fibrocystin/polyductin; minus strand). Cytogenetic location: 6p12.3.
Variant type: single nucleotide variant.
Coding change: c.9829+1G>A on transcript NM_138694.4 (MANE Select); the canonical splice donor site of the intron after coding-DNA position 9829, G replaced by A.
Molecular consequence: splice donor variant.
Genome position (GRCh38, 1-based): chr6:51,747,786, C>T on the plus strand (G>A on the coding strand, the complement: PKHD1 is on the minus strand). VCF-style: chr6-51747786-C-T. GRCh37 (hg19) VCF-style: chr6-51612584-C-T.
Other names: c.9829+1G>A (NM_170724.3).
Identifiers: ClinVar variation 625155 (VCV000625155.2), dbSNP rs1273202231, ClinGen allele CA364419908.

ClinVar aggregate classification (germline): Likely pathogenic. Review status: criteria provided, single submitter (1 of 4 stars). 2 submissions from 2 submitters: Likely pathogenic (1). 1 of the submissions does not count toward it. Last evaluated 2024-09-12.

Conditions:
Autosomal recessive polycystic kidney disease (ARPKD). Also called: AR polycystic kidney disease. Identifiers: Orphanet 731, Orphanet 8378, MedGen C0085548, MeSH D017044, MONDO:0009889.

gnomAD v4.1: 1 of 1,612,448 alleles (0.000062%); highest among the groups gnomAD compares: Non-Finnish European, 0.000085%; no homozygotes.

Submissions (2):

Natera, Inc.
Classification: Likely pathogenic for Autosomal recessive polycystic kidney disease. Last evaluated: 2024-09-12. Review status: criteria provided, single submitter. Criteria: Natera Variant Classification Schema (03/2026). Collection method: clinical testing. Allele origin: germline.
Comment: The c.9829+1G>A variant in PKHD1 is a canonical splice donor site variant predicted to affect pre-mRNA splicing, which may result in an abnormal transcript and altered protein product. This variant is expected to result in nonsense mediated decay, truncation, or a dysfunctional protein product. This variant is rare in the general population with a frequency below the threshold expected for the associated phenotype(s). Given the available evidence, this variant is classified as Likely Pathogenic.

Institute of Human Genetics, Cologne University
Classification: Likely pathogenic for Polycystic kidney disease 4. Review status: no assertion criteria provided. Collection method: clinical testing. Allele origin: germline. Affected: yes. Not counted in ClinVar's aggregate classification.